The following is an entry in ClinVar:

ClinVar aggregate classification (germline): Uncertain significance (1 of 4 stars; one submission).

Conditions:
Lipoic acid synthetase deficiency. Also called: HYPERGLYCINEMIA, LACTIC ACIDOSIS, AND SEIZURES. Identifiers: Orphanet 401859, MedGen C3280887, MONDO:0013762, OMIM 614462.

Allele frequency attached by ClinVar (database versions not stated): gnomAD exomes below 0.00001; gnomAD 0.00001.
gnomAD v4.1: 7 of 1,600,216 alleles (0.00044%); highest among the groups gnomAD compares: South Asian, 0.008%; no homozygotes.

Submission:

Labcorp Genetics (formerly Invitae), Labcorp
Classification: Uncertain significance for Lipoic acid synthetase deficiency. Last evaluated: 2024-04-29. Review status: criteria provided, single submitter. Criteria: Invitae Variant Classification Sherloc (09022015). Collection method: clinical testing. Allele origin: germline.
Comment: This sequence change replaces glycine, which is neutral and non-polar, with glutamic acid, which is acidic and polar, at codon 64 of the LIAS protein (p.Gly64Glu). This variant is present in population databases (no rsID available, gnomAD 0.004%). This variant has not been reported in the literature in individuals affected with LIAS-related conditions. ClinVar contains an entry for this variant (Variation ID: 2163708). Algorithms developed to predict the effect of missense changes on protein structure and function output the following: SIFT: "Not Available"; PolyPhen-2: "Benign"; Align-GVGD: "Not Available". The glutamic acid amino acid residue is found in multiple mammalian species, which suggests that this missense change does not adversely affect protein function. In summary, the available evidence is currently insufficient to determine the role of this variant in disease. Therefore, it has been classified as a Variant of Uncertain Significance.

NM_006859.4(LIAS):c.191G>A (p.Gly64Glu)

Gene: LIAS (lipoic acid synthetase; plus strand). Cytogenetic location: 4p14.
Variant type: single nucleotide variant.
Coding change: c.191G>A on transcript NM_006859.4 (MANE Select); coding-DNA position 191, G replaced by A.
Protein change: p.Gly64Glu; replaces glycine 64 with glutamic acid.
Molecular consequence: missense variant.
Genome position (GRCh38, 1-based): chr4:39,460,935, G>A. VCF-style: chr4-39460935-G-A. GRCh37 (hg19) VCF-style: chr4-39462555-G-A.
Other names: c.191G>A, p.Gly64Glu (NM_001278590.2, NM_001278591.2, NM_001278592.2 and 2 more transcripts); short protein forms G64E.
Identifiers: ClinVar variation 2163708 (VCV002163708.4), dbSNP rs1350478816, ClinGen allele CA356663857.